The following is an entry in ClinVar:

ClinVar aggregate classification (germline): Uncertain significance. Review status: criteria provided, multiple submitters, no conflicts (2 of 4 stars). 4 submissions from 4 submitters: Uncertain significance (4). Last evaluated 2022-09-08.

Conditions:
Charcot-Marie-Tooth disease type 4. Also called: Charcot-Marie-Tooth disease, type IV; Charcot-Marie-Tooth, Type 4. Identifiers: Orphanet 64749, MedGen C4082197, MONDO:0018995.
Inborn genetic diseases. Identifiers: MedGen C0950123, MeSH D030342.

Allele frequency attached by ClinVar (database versions not stated): TOPMed below 0.00001; gnomAD exomes 0.00001 and 0.00002; ExAC 0.00002.
gnomAD v4.1: 8 of 1,613,066 alleles (0.0005%); highest among the groups gnomAD compares: Admixed American, 0.01%; no homozygotes.

Submissions (4):

GeneDx
Classification: Uncertain significance. Last evaluated: 2022-09-08. Review status: criteria provided, single submitter. Criteria: GeneDx Variant Classification Process June 2021. Collection method: clinical testing. Allele origin: germline. Affected: yes.
Comment: In silico analysis supports that this missense variant does not alter protein structure/function; Has not been previously published as pathogenic or benign to our knowledge

Labcorp Genetics (formerly Invitae), Labcorp
Classification: Uncertain significance for Charcot-Marie-Tooth disease type 4. Last evaluated: 2022-04-11. Review status: criteria provided, single submitter. Criteria: Invitae Variant Classification Sherloc (09022015). Collection method: clinical testing. Allele origin: germline.
Comment: This sequence change replaces histidine, which is basic and polar, with tyrosine, which is neutral and polar, at codon 1245 of the SBF2 protein (p.His1245Tyr). This variant is present in population databases (rs753626252, gnomAD 0.02%). This variant has not been reported in the literature in individuals affected with SBF2-related conditions. ClinVar contains an entry for this variant (Variation ID: 1040477). Algorithms developed to predict the effect of missense changes on protein structure and function (SIFT, PolyPhen-2, Align-GVGD) all suggest that this variant is likely to be tolerated. In summary, the available evidence is currently insufficient to determine the role of this variant in disease. Therefore, it has been classified as a Variant of Uncertain Significance.

Ambry Genetics
Classification: Uncertain significance for Inborn genetic diseases. Last evaluated: 2021-04-20. Review status: criteria provided, single submitter. Criteria: Ambry Variant Classification Scheme 2023. Collection method: clinical testing. Allele origin: germline.
Comment: The p.H1245Y variant (also known as c.3733C>T), located in coding exon 28 of the SBF2 gene, results from a C to T substitution at nucleotide position 3733. The histidine at codon 1245 is replaced by tyrosine, an amino acid with similar properties. This amino acid position is not well conserved in available vertebrate species, and tyrosine is the reference amino acid in other vertebrate species. In addition, this alteration is predicted to be tolerated by in silico analysis. Since supporting evidence is limited at this time, the clinical significance of this alteration remains unclear.

Breakthrough Genomics
Classification: Uncertain significance. Review status: criteria provided, single submitter. Criteria: ACMG Guidelines, 2015. Collection method: not provided. Allele origin: germline. Inheritance: Autosomal recessive inheritance. Affected: yes.

NM_030962.4(SBF2):c.3733C>T (p.His1245Tyr)

Gene: SBF2 (SET binding factor 2; minus strand). Cytogenetic location: 11p15.4.
Variant type: single nucleotide variant.
Coding change: c.3733C>T on transcript NM_030962.4 (MANE Select); coding-DNA position 3733, C replaced by T.
Protein change: p.His1245Tyr; replaces histidine 1245 with tyrosine.
Molecular consequence: missense variant.
Genome position (GRCh38, 1-based): chr11:9,829,416, G>A on the plus strand (C>T on the coding strand, the complement: SBF2 is on the minus strand). VCF-style: chr11-9829416-G-A. GRCh37 (hg19) VCF-style: chr11-9850963-G-A.
Other names: c.3733C>T, p.His1245Tyr (NM_001386339.1); c.3604C>T, p.His1202Tyr (NM_001386342.1); short protein forms H1202Y, H1245Y.
Identifiers: ClinVar variation 1040477 (VCV001040477.9), dbSNP rs753626252, ClinGen allele CA5881178.